The following is an entry in ClinVar:

ClinVar aggregate classification (germline): Uncertain significance (1 of 4 stars; one submission).

Submission:

Labcorp Genetics (formerly Invitae), Labcorp
Classification: Uncertain significance. Last evaluated: 2022-11-24. Review status: criteria provided, single submitter. Criteria: Invitae Variant Classification Sherloc (09022015). Collection method: clinical testing. Allele origin: germline.
Comment: This variant is not present in population databases (gnomAD no frequency). In summary, the available evidence is currently insufficient to determine the role of this variant in disease. Therefore, it has been classified as a Variant of Uncertain Significance. Algorithms developed to predict the effect of missense changes on protein structure and function (SIFT, PolyPhen-2, Align-GVGD) all suggest that this variant is likely to be tolerated. This variant has not been reported in the literature in individuals affected with SIRT1-related conditions. This sequence change replaces glutamic acid, which is acidic and polar, with glycine, which is neutral and non-polar, at codon 4 of the SIRT1 protein (p.Glu4Gly).

NM_012238.5(SIRT1):c.11A>G (p.Glu4Gly)

Genes: SIRT1 (sirtuin 1; plus strand), LOC107832851 (SIRT1 promoter region; plus strand). Cytogenetic location: 10q21.3.
Variant type: single nucleotide variant.
Coding change: c.11A>G on transcript NM_012238.5 (MANE Select); coding-DNA position 11, A replaced by G.
Protein change: p.Glu4Gly; replaces glutamic acid 4 with glycine.
Molecular consequence: missense variant.
Genome position (GRCh38, 1-based): chr10:67,884,732, A>G. VCF-style: chr10-67884732-A-G. GRCh37 (hg19) VCF-style: chr10-69644490-A-G.
Other names: short protein forms E4G.
Identifiers: ClinVar variation 2816576 (VCV002816576.3), dbSNP rs1589064382, ClinGen allele CA377035052.